The following is an entry in ClinVar:

ClinVar aggregate classification (germline): Uncertain significance. Review status: criteria provided, multiple submitters, no conflicts (2 of 4 stars). 2 submissions from 2 submitters: Uncertain significance (2). Last evaluated 2025-08-05.

Conditions:
Autoimmune lymphoproliferative syndrome type 1. Also called: AUTOIMMUNE LYMPHOPROLIFERATIVE SYNDROME, TYPE I, AUTOSOMAL DOMINANT. Identifiers: Orphanet 3261, MedGen C2717884, MONDO:0011158, OMIM 601859.

Allele frequency attached by ClinVar (database versions not stated): ExAC 0.00001; gnomAD exomes 0.00001.

Submissions (2):

Ambry Genetics
Classification: Uncertain significance. Last evaluated: 2025-08-05. Review status: criteria provided, single submitter. Criteria: Ambry Variant Classification Scheme 2023. Collection method: clinical testing. Allele origin: germline.

Labcorp Genetics (formerly Invitae), Labcorp
Classification: Uncertain significance for Autoimmune lymphoproliferative syndrome. Last evaluated: 2024-10-28. Review status: criteria provided, single submitter. Criteria: Invitae Variant Classification Sherloc (09022015). Collection method: clinical testing. Allele origin: germline.
Comment: This sequence change replaces arginine, which is basic and polar, with serine, which is neutral and polar, at codon 39 of the FASLG protein (p.Arg39Ser). This variant is present in population databases (rs373329523, gnomAD 0.003%). This variant has not been reported in the literature in individuals affected with FASLG-related conditions. ClinVar contains an entry for this variant (Variation ID: 1412258). An algorithm developed to predict the effect of missense changes on protein structure and function (PolyPhen-2) suggests that this variant¬†is likely to be tolerated. In summary, the available evidence is currently insufficient to determine the role of this variant in disease. Therefore, it has been classified as a Variant of Uncertain Significance.

NM_000639.3(FASLG):c.117G>T (p.Arg39Ser)

Gene: FASLG (Fas ligand; plus strand). Cytogenetic location: 1q24.3.
Variant type: single nucleotide variant.
Coding change: c.117G>T on transcript NM_000639.3 (MANE Select); coding-DNA position 117, G replaced by T.
Protein change: p.Arg39Ser; replaces arginine 39 with serine.
Molecular consequence: missense variant.
Genome position (GRCh38, 1-based): chr1:172,659,318, G>T. VCF-style: chr1-172659318-G-T. GRCh37 (hg19) VCF-style: chr1-172628458-G-T.
Other names: c.117G>T, p.Arg39Ser (NM_001302746.2); c.117G>T (NM_000639.1); short protein forms R39S.
Identifiers: ClinVar variation 1412258 (VCV001412258.6), dbSNP rs373329523, ClinGen allele CA1247441.